The following is an entry in ClinVar:

NM_002025.4(AFF2):c.2300A>G (p.Asn767Ser)

Gene: AFF2 (ALF transcription elongation factor 2; plus strand). Cytogenetic location: Xq28.
Variant type: single nucleotide variant.
Coding change: c.2300A>G on transcript NM_002025.4 (MANE Select); coding-DNA position 2300, A replaced by G.
Protein change: p.Asn767Ser; replaces asparagine 767 with serine.
Molecular consequence: missense variant.
Genome position (GRCh38, 1-based): chrX:148,956,345, A>G. VCF-style: chrX-148956345-A-G. GRCh37 (hg19) VCF-style: chrX-148037875-A-G.
Other names: c.2201A>G, p.Asn734Ser (NM_001169122.2); c.2270A>G, p.Asn757Ser (NM_001169123.2); c.2195A>G, p.Asn732Ser (NM_001169124.2); c.2183A>G, p.Asn728Ser (NM_001169125.2); c.1223A>G, p.Asn408Ser (NM_001170628.1); short protein forms N408S, N728S, N732S, N734S, N757S, N767S.
Identifiers: ClinVar variation 4528096 (VCV004528096.1).

ClinVar aggregate classification (germline): Uncertain significance (1 of 4 stars; one submission).

Submission:

GeneDx
Classification: Uncertain significance. Last evaluated: 2025-05-08. Review status: criteria provided, single submitter. Criteria: GeneDx Variant Classification Process June 2021. Collection method: clinical testing. Allele origin: germline. Affected: yes.
Comment: Not observed at significant frequency in large population cohorts (gnomAD); In silico analysis suggests that this missense variant does not alter protein structure/function; Has not been previously published as pathogenic or benign to our knowledge